The following is an entry in ClinVar:

ClinVar aggregate classification (germline): Uncertain significance. Review status: criteria provided, multiple submitters, no conflicts (2 of 4 stars). 2 submissions from 2 submitters: Uncertain significance (2). Last evaluated 2025-11-24.

Conditions:
Aortic valve disease 2 (AOVD2). Identifiers: MedGen C3542024, MONDO:0013902, OMIM 614823.
Inborn genetic diseases. Identifiers: MedGen C0950123, MeSH D030342.

Allele frequency attached by ClinVar (database versions not stated): gnomAD exomes 0.00004.
gnomAD v4.1: 37 of 1,238,846 alleles (0.003%); highest among the groups gnomAD compares: Non-Finnish European, 0.0037%; no homozygotes.

Submissions (2):

Labcorp Genetics (formerly Invitae), Labcorp
Classification: Uncertain significance for Aortic valve disease 2. Last evaluated: 2025-11-24. Review status: criteria provided, single submitter. Criteria: Invitae Variant Classification Sherloc (09022015). Collection method: clinical testing. Allele origin: germline.
Comment: This sequence change replaces glutamine, which is neutral and polar, with histidine, which is basic and polar, at codon 74 of the SMAD6 protein (p.Gln74His). This variant is not present in population databases (gnomAD no frequency). This variant has not been reported in the literature in individuals affected with SMAD6-related conditions. ClinVar contains an entry for this variant (Variation ID: 2172265). An algorithm developed to predict the effect of missense changes on protein structure and function (PolyPhen-2) suggests that this variant is likely to be tolerated. In summary, the available evidence is currently insufficient to determine the role of this variant in disease. Therefore, it has been classified as a Variant of Uncertain Significance.

Ambry Genetics
Classification: Uncertain significance for Inborn genetic diseases. Last evaluated: 2024-06-30. Review status: criteria provided, single submitter. Criteria: Ambry Variant Classification Scheme 2023. Collection method: clinical testing. Allele origin: germline.
Comment: The p.Q74H variant (also known as c.222G>C), located in coding exon 1 of the SMAD6 gene, results from a G to C substitution at nucleotide position 222. The glutamine at codon 74 is replaced by histidine, an amino acid with highly similar properties. This amino acid position is conserved. In addition, this alteration is predicted to be tolerated by in silico analysis. Based on the available evidence, the clinical significance of this variant remains unclear.

NM_005585.5(SMAD6):c.222G>C (p.Gln74His)

Gene: SMAD6 (SMAD family member 6; plus strand). Cytogenetic location: 15q22.31.
Variant type: single nucleotide variant.
Coding change: c.222G>C on transcript NM_005585.5 (MANE Select); coding-DNA position 222, G replaced by C.
Protein change: p.Gln74His; replaces glutamine 74 with histidine.
Molecular consequence: missense variant. On other transcripts: non-coding transcript variant (1).
Genome position (GRCh38, 1-based): chr15:66,703,480, G>C. VCF-style: chr15-66703480-G-C. GRCh37 (hg19) VCF-style: chr15-66995818-G-C.
Other names: c.222G>C (NM_005585.4); short protein forms Q74H.
Identifiers: ClinVar variation 2172265 (VCV002172265.7), dbSNP rs1893025458, ClinGen allele CA392948956.
Genomic context (GRCh38, chr15:66,703,480, plus strand): 5'-CTGCGGCCGCTCCGAAGTCCGCCCGGTAGCCCCGCGGCGGCCCCGGGACGCAGTGGGACA[G>C]CGAGGCGCCCAGGGCGCGGGGAGGCGCCGGCGCGCAGGGGGCCCCCCGAGGCCCATGTCG-3'
Protein context (NP_005576.3, residues 64-84): APRRPRDAVG[Gln74His]RGAQGAGRRR